The following is an entry in ClinVar:

NM_170707.4(LMNA):c.1181C>A (p.Thr394Asn)

Gene: LMNA (lamin A/C; plus strand). Cytogenetic location: 1q22.
Variant type: single nucleotide variant.
Coding change: c.1181C>A on transcript NM_170707.4 (MANE Select); coding-DNA position 1181, C replaced by A.
Protein change: p.Thr394Asn; replaces threonine 394 with asparagine.
Molecular consequence: missense variant.
Genome position (GRCh38, 1-based): chr1:156,136,237, C>A. VCF-style: chr1-156136237-C-A. GRCh37 (hg19) VCF-style: chr1-156106028-C-A.
Other names: c.845C>A, p.Thr282Asn (NM_001257374.3, NM_001406998.1, NM_001406989.1); c.557C>A, p.Thr186Asn (NM_001406999.1, NM_001407000.1, NM_001407001.1 and 1 more transcripts); c.623C>A, p.Thr208Asn (NM_001407002.1, NM_001407003.1, NM_001406990.1 and 4 more transcripts); c.1181C>A, p.Thr394Asn (NM_005572.4, NM_170708.4, NM_001282625.2 and 6 more transcripts); c.938C>A, p.Thr313Asn (NM_001282624.2, NM_001406986.1, NM_001406987.1); c.884C>A, p.Thr295Asn (NM_001406988.1); short protein forms T208N, T394N, T282N, T313N, T186N, T295N.
Identifiers: ClinVar variation 5023610 (VCV005023610.1).

ClinVar aggregate classification (germline): Uncertain significance (1 of 4 stars; one submission).

Conditions:
Cardiovascular phenotype. Identifiers: MedGen CN230736.

Submission:

Ambry Genetics
Classification: Uncertain significance for Cardiovascular phenotype. Last evaluated: 2026-07-01. Review status: criteria provided, single submitter. Criteria: Ambry Variant Classification Scheme 2023. Collection method: clinical testing. Allele origin: germline.
Comment: The p.T394N variant (also known as c.1181C>A), located in coding exon 7 of the LMNA gene, results from a C to A substitution at nucleotide position 1181. The threonine at codon 394 is replaced by asparagine, an amino acid with similar properties. This amino acid position is conserved. In addition, this alteration is predicted to be tolerated by in silico analysis. Based on the available evidence, the clinical significance of this variant remains unclear.